The following is an entry in ClinVar:

ClinVar aggregate classification (germline): Uncertain significance. Review status: criteria provided, multiple submitters, no conflicts (2 of 4 stars). 5 submissions from 5 submitters: Uncertain significance (4). 1 of the submissions does not count toward it. Last evaluated 2026-08-06.

Conditions:
Bethlem myopathy 1B (BTHLM1B). Identifiers: MedGen C5935580, MONDO:0958233, OMIM 620725.
Myosclerosis. Also called: MYOPATHY, MYOSCLEROTIC; MYOSCLEROSIS, CONGENITAL, OF LOWENTHAL; Myosclerosis, congenital. Identifiers: Orphanet 289380, MedGen C1850671, MONDO:0009714, OMIM 255600.
Bethlem myopathy 1A. Also called: MYOPATHY, BENIGN CONGENITAL, WITH CONTRACTURES; Bethlem Muscular Dystrophy; Bethlem myopathy 1. Identifiers: Orphanet 610, MedGen CN029274, MONDO:0024530, OMIM 158810.

Submissions (5):

OLLIN Analises Genomicas, OLLIN
Classification: Uncertain significance for Myosclerosis. Last evaluated: 2026-08-06. Review status: criteria provided, single submitter. Criteria: ACMG Guidelines 2015 PMID 25741868. Collection method: clinical testing. Allele origin: germline. Inheritance: Autosomal recessive inheritance.
Comment: This in-frame deletion, located in exon 2 (of 28), has been reported in ClinVar (accession VCV001912598.10) and in gnomAD with an allele frequency of 0.00105%. However, to our knowledge, it has not been reported in the scientific literature. This variant removes 1 amino acid, preserving the reading frame and leading to a reduced protein length. According to the currently available evidence, this variant has been classified as uncertain significance (PM2_P, PP4).

Praxis Für Humangenetik, Biosciencia MVZ Labor Saar
Classification: Uncertain significance for Bethlem myopathy 1B. Last evaluated: 2026-02-22. Review status: criteria provided, single submitter. Criteria: ACMG Guidelines, 2015. Collection method: clinical testing. Allele origin: germline. Inheritance: Autosomal recessive inheritance.

Labcorp Genetics (formerly Invitae), Labcorp
Classification: Uncertain significance for Bethlem myopathy 1A. Last evaluated: 2025-12-28. Review status: criteria provided, single submitter. Criteria: Invitae Variant Classification Sherloc (09022015). Collection method: clinical testing. Allele origin: germline.
Comment: This variant, c.106_108del, results in the deletion of 1 amino acid(s) of the COL6A2 protein (p.Asn36del), but otherwise preserves the integrity of the reading frame. This variant is present in population databases (rs754701639, gnomAD 0.004%). This variant has not been reported in the literature in individuals affected with COL6A2-related conditions. ClinVar contains an entry for this variant (Variation ID: 1912598). Experimental studies and prediction algorithms are not available or were not evaluated, and the functional significance of this variant is currently unknown. In summary, the available evidence is currently insufficient to determine the role of this variant in disease. Therefore, it has been classified as a Variant of Uncertain Significance.

Revvity Omics, Revvity
Classification: Uncertain significance. Last evaluated: 2023-10-26. Review status: criteria provided, single submitter. Criteria: ACMG Guidelines, 2015. Collection method: clinical testing. Allele origin: germline.

Zotz-Klimas Genetics Lab, MVZ Zotz Klimas
Classification: Uncertain significance for Bethlem myopathy 1A. Last evaluated: 2023-11-24. Review status: no assertion criteria provided. Collection method: clinical testing. Allele origin: germline. Affected: yes. Not counted in ClinVar's aggregate classification.

NM_001849.4(COL6A2):c.100AAC[2] (p.Asn36del)

Gene: COL6A2 (collagen type VI alpha 2 chain; plus strand). Cytogenetic location: 21q22.3.
Variant type: Microsatellite.
Coding change: c.100AAC[2] on transcript NM_001849.4 (MANE Select); two copies in a row of the 3-base unit AAC starting at c.100; the reference has three copies in a row; one copy, 3 bases deleted; also written c.106_108del.
Protein change: p.Asn36del; deletes asparagine 36.
Molecular consequence: inframe deletion. On other transcripts: inframe indel (1).
Genome position (GRCh38, 1-based): chr21:46,111,582-46,111,584, AAC deleted; deleting any 3 consecutive bases within chr21:46,111,576-46,111,584 gives the same sequence; the position shown is the placement nearest the transcript's 3' end. VCF-style (leftmost placement, unchanged base first): chr21-46111575-AAAC-A. GRCh37 (hg19) VCF-style: chr21-47531489-AAAC-A.
Other names: c.106_108delAAC (NM_001849.4); c.100_102AAC[2], p.Asn36del (NM_001849.3); c.100AAC[2], p.Asn36del (NM_058174.3, NM_058175.3); c.106_108del (NM_001849.4, NM_001849.3); short protein forms N36del.
Identifiers: ClinVar variation 1912598 (VCV001912598.11), dbSNP rs754701639, ClinGen allele CA10071177.